The following is an entry in ClinVar:

NM_001009999.3(KDM1A):c.1222C>T (p.Arg408Trp)

Gene: KDM1A (lysine demethylase 1A; plus strand). Cytogenetic location: 1p36.12.
Variant type: single nucleotide variant.
Coding change: c.1222C>T on transcript NM_001009999.3 (MANE Select); coding-DNA position 1222, C replaced by T.
Protein change: p.Arg408Trp; replaces arginine 408 with tryptophan.
Molecular consequence: missense variant.
Genome position (GRCh38, 1-based): chr1:23,068,581, C>T. VCF-style: chr1-23068581-C-T. GRCh37 (hg19) VCF-style: chr1-23395074-C-T.
Other names: c.1150C>T, p.Arg384Trp (NM_001363654.2, NM_001410763.1, NM_015013.4); c.1210C>T, p.Arg404Trp (NM_001410762.1); short protein forms R384W, R408W, R404W.
Identifiers: ClinVar variation 3863201 (VCV003863201.1).

ClinVar aggregate classification (germline): Uncertain significance (1 of 4 stars; one submission).

Conditions:
Inborn genetic diseases. Identifiers: MedGen C0950123, MeSH D030342.

gnomAD v4.1: 4 of 1,604,676 alleles (0.00025%); highest among the groups gnomAD compares: Non-Finnish European, 0.00034%; no homozygotes.

Submission:

Ambry Genetics
Classification: Uncertain significance for Inborn genetic diseases. Last evaluated: 2024-12-12. Review status: criteria provided, single submitter. Criteria: Ambry Variant Classification Scheme 2023. Collection method: clinical testing. Allele origin: germline.
Comment: The p.R408W variant (also known as c.1222C>T), located in coding exon 11 of the KDM1A gene, results from a C to T substitution at nucleotide position 1222. The arginine at codon 408 is replaced by tryptophan, an amino acid with dissimilar properties. This amino acid position is conserved. In addition, the in silico prediction for this alteration is inconclusive. Based on the available evidence, the clinical significance of this variant remains unclear.